The following is an entry in ClinVar:

ClinVar aggregate classification (germline): Uncertain significance. Review status: criteria provided, multiple submitters, no conflicts (2 of 4 stars). 2 submissions from 2 submitters: Uncertain significance (2). Last evaluated 2025-05-18.

Allele frequency attached by ClinVar (database versions not stated): ESP Exome Variant Server 0.00008; gnomAD exomes 0.00009 and 0.00011; TOPMed 0.00009; ExAC 0.00011; gnomAD 0.00012; 1000 Genomes Project 30x 0.00016; 1000 Genomes Project 0.00020.
gnomAD v4.1: 151 of 1,614,042 alleles (0.0094%); highest among the groups gnomAD compares: Non-Finnish European, 0.012%; no homozygotes.

Submissions (2):

Labcorp Genetics (formerly Invitae), Labcorp
Classification: Uncertain significance. Last evaluated: 2025-05-18. Review status: criteria provided, single submitter. Criteria: Invitae Variant Classification Sherloc (09022015). Collection method: clinical testing. Allele origin: germline.
Comment: This sequence change replaces serine, which is neutral and polar, with proline, which is neutral and non-polar, at codon 1280 of the ADGRA3 protein (p.Ser1280Pro). This variant is present in population databases (rs144568977, gnomAD 0.02%). This variant has not been reported in the literature in individuals affected with ADGRA3-related conditions. ClinVar contains an entry for this variant (Variation ID: 941772). An algorithm developed to predict the effect of missense changes on protein structure and function (PolyPhen-2) suggests that this variant is likely to be disruptive. In summary, the available evidence is currently insufficient to determine the role of this variant in disease. Therefore, it has been classified as a Variant of Uncertain Significance.

Ambry Genetics
Classification: Uncertain significance. Last evaluated: 2024-09-09. Review status: criteria provided, single submitter. Criteria: Ambry Variant Classification Scheme 2023. Collection method: clinical testing. Allele origin: germline.

NM_145290.4(ADGRA3):c.3838T>C (p.Ser1280Pro)

Gene: ADGRA3 (adhesion G protein-coupled receptor A3; minus strand). Cytogenetic location: 4p15.2.
Variant type: single nucleotide variant.
Coding change: c.3838T>C on transcript NM_145290.4 (MANE Select); coding-DNA position 3838, T replaced by C.
Protein change: p.Ser1280Pro; replaces serine 1280 with proline.
Molecular consequence: missense variant.
Genome position (GRCh38, 1-based): chr4:22,387,833, A>G on the plus strand (T>C on the coding strand, the complement: ADGRA3 is on the minus strand). VCF-style: chr4-22387833-A-G. GRCh37 (hg19) VCF-style: chr4-22389456-A-G.
Other names: c.3838T>C (NM_145290.2); short protein forms S1280P.
Identifiers: ClinVar variation 941772 (VCV000941772.10), dbSNP rs144568977, ClinGen allele CA2873288.
Genomic context (GRCh38, chr4:22,387,833, plus strand): 5'-GTCCCTCCTGCCCATTGCTTTTAATTGGTCCATTCTGAATGGCCAAGTTGAGGCCATAAG[A>G]TTTTTGCTGATTTTCAAGTTCAACCACAGCTGGCTTCCTTAACGCATCTTTTTTACTAGT-3'
Protein context (NP_660333.2, residues 1270-1290): AVVELENQQK[Ser1280Pro]YGLNLAIQNG